The following is an entry in ClinVar:

NM_000257.4(MYH7):c.503-3C>G

Gene: MYH7 (myosin heavy chain 7; minus strand). Cytogenetic location: 14q11.2.
Variant type: single nucleotide variant.
Coding change: c.503-3C>G on transcript NM_000257.4 (MANE Select); 3 bases into the intron before coding-DNA position 503, C replaced by G.
Molecular consequence: intron variant.
Genome position (GRCh38, 1-based): chr14:23,432,509, G>C on the plus strand (C>G on the coding strand, the complement: MYH7 is on the minus strand). VCF-style: chr14-23432509-G-C. GRCh37 (hg19) VCF-style: chr14-23901718-G-C.
Identifiers: ClinVar variation 525021 (VCV000525021.8), dbSNP rs1345179367, ClinGen allele CA658798185.
Genomic context (GRCh38, chr14:23,432,509, plus strand): 5'-GAAAGGGAATACAGTAGCAGCTACACTCACGTGATCAGGATGGACTGGTTTTCTCTGTCT[G>C]TGGGGAGAGGGTGGGGAGGAAAGGTCAGGAGCTGCACAGGATGCTCTCGTGGGGCTTCTC-3'

ClinVar aggregate classification (germline): Uncertain significance (1 of 4 stars; one submission).

Conditions:
Hypertrophic cardiomyopathy. Also called: HYPERTROPHIC MYOCARDIOPATHY. Identifiers: Orphanet 217569, MedGen C0007194, MeSH D002312, MONDO:0005045, HP:0001639.

Submission:

Labcorp Genetics (formerly Invitae), Labcorp
Classification: Uncertain significance for Hypertrophic cardiomyopathy. Last evaluated: 2022-06-13. Review status: criteria provided, single submitter. Criteria: Invitae Variant Classification Sherloc (09022015). Collection method: clinical testing. Allele origin: germline.
Comment: In summary, the available evidence is currently insufficient to determine the role of this variant in disease. Therefore, it has been classified as a Variant of Uncertain Significance. Variants that disrupt the consensus splice site are a relatively common cause of aberrant splicing (PMID: 17576681, 9536098). Algorithms developed to predict the effect of sequence changes on RNA splicing suggest that this variant may disrupt the consensus splice site. ClinVar contains an entry for this variant (Variation ID: 525021). This variant has not been reported in the literature in individuals affected with MYH7-related conditions. This variant is not present in population databases (gnomAD no frequency). This sequence change falls in intron 5 of the MYH7 gene. It does not directly change the encoded amino acid sequence of the MYH7 protein. It affects a nucleotide within the consensus splice site.

Literature cited by the submitters: PubMed 17576681; PubMed 9536098.